The following is an entry in ClinVar:

ClinVar aggregate classification (germline): Uncertain significance (1 of 4 stars; one submission).

Submission:

Ambry Genetics
Classification: Uncertain significance. Last evaluated: 2023-03-08. Review status: criteria provided, single submitter. Criteria: Ambry Variant Classification Scheme 2023. Collection method: clinical testing. Allele origin: germline.
Comment: The p.E1580D variant (also known as c.4740G>T), located in coding exon 16 of the POLQ gene, results from a G to T substitution at nucleotide position 4740. The glutamic acid at codon 1580 is replaced by aspartic acid, an amino acid with highly similar properties. This amino acid position is conserved. In addition, this alteration is predicted to be tolerated by in silico analysis. Since supporting evidence is limited at this time, the clinical significance of this alteration remains unclear.

NM_199420.4(POLQ):c.4740G>T (p.Glu1580Asp)

Gene: POLQ (DNA polymerase theta; minus strand). Cytogenetic location: 3q13.33.
Variant type: single nucleotide variant.
Coding change: c.4740G>T on transcript NM_199420.4 (MANE Select); coding-DNA position 4740, G replaced by T.
Protein change: p.Glu1580Asp; replaces glutamic acid 1580 with aspartic acid.
Molecular consequence: missense variant.
Genome position (GRCh38, 1-based): chr3:121,488,191, C>A on the plus strand (G>T on the coding strand, the complement: POLQ is on the minus strand). VCF-style: chr3-121488191-C-A. GRCh37 (hg19) VCF-style: chr3-121207038-C-A.
Other names: short protein forms E1580D.
Identifiers: ClinVar variation 2497208 (VCV002497208.2), dbSNP rs765438089, ClinGen allele CA354093997.
Genomic context (GRCh38, chr3:121,488,191, plus strand): 5'-CTCATCAAGTACTGGATCACTTAGTTCTAATGCTCTAGGAGATACTACAGTATGATTCTT[C>A]TCTTGGACAGGAAATATATCCACATTGTCCAAAGCTTCAACCATCTGAACAGAATCCATT-3'
Protein context (NP_955452.3, residues 1570-1590): LDNVDIFPVQ[Glu1580Asp]KNHTVVSPRA